The following is an entry in ClinVar:

ClinVar aggregate classification (germline): Conflicting classifications of pathogenicity. Review status: criteria provided, conflicting classifications (1 of 4 stars). 2 submissions from 2 submitters: Uncertain significance (1); Likely benign (1). Last evaluated 2025-03-04.

Conditions:
Hereditary diffuse gastric adenocarcinoma (HDGC). Also called: DIFFUSE GASTRIC AND LOBULAR BREAST CANCER SYNDROME. Identifiers: Orphanet 26106, MedGen C1708349, MONDO:0007648, OMIM 137215.

Allele frequency attached by ClinVar (database versions not stated): ExAC 0.00007; gnomAD exomes 0.00008; gnomAD 0.00015 and 0.00016; TOPMed 0.00016.
gnomAD v4.1: 469 of 1,613,200 alleles (0.029%); highest among the groups gnomAD compares: Non-Finnish European, 0.039%; no homozygotes.

Submissions (2):

Center for Genomic Medicine, Rigshospitalet, Copenhagen University Hospital
Classification: Likely benign. Last evaluated: 2025-03-04. Review status: criteria provided, single submitter. Criteria: ACMG Guidelines, 2015. Collection method: clinical testing. Allele origin: germline.

European Reference Network on Genetic Tumour Risk Syndromes (ERN-GENTURIS), i3s - Instituto de Investigação e Inovação em Saúde, University of Porto
Classification: Uncertain significance for Hereditary diffuse gastric adenocarcinoma. Last evaluated: 2022-08-01. Review status: criteria provided, single submitter. Criteria: Lee et al. (Hum Mutat. 2018). Collection method: clinical testing. Allele origin: germline. Inheritance: Autosomal dominant inheritance. Affected: no. Study: ERN GENTURIS.
Comment: BS2_Supporting (PMID: 30311375)

Literature cited by the submitters: PubMed 36436516 (cited by European Reference Network on Genetic Tumour Risk Syndromes (ERN-GENTURIS), i3s - Instituto de Investigação e Inovação em Saúde, University of Porto).

NM_004360.5(CDH1):c.388-21C>A

Gene: CDH1 (cadherin 1; plus strand). Cytogenetic location: 16q22.1.
Variant type: single nucleotide variant.
Coding change: c.388-21C>A on transcript NM_004360.5 (MANE Select); 21 bases into the intron before coding-DNA position 388, C replaced by A.
Molecular consequence: intron variant.
Genome position (GRCh38, 1-based): chr16:68,808,403, C>A. VCF-style: chr16-68808403-C-A. GRCh37 (hg19) VCF-style: chr16-68842306-C-A.
Other names: c.388-21C>A (NM_004360.4, NM_001317184.2); c.-1228-21C>A (NM_001317185.2); c.-1432-21C>A (NM_001317186.2).
Identifiers: ClinVar variation 1697778 (VCV001697778.8), dbSNP rs769585694, ClinGen allele CA8129858.